The following is an entry in ClinVar:

NM_001273.5(CHD4):c.2109G>A (p.Thr703=)

Gene: CHD4 (chromodomain helicase DNA binding protein 4; minus strand). Cytogenetic location: 12p13.31.
Variant type: single nucleotide variant.
Coding change: c.2109G>A on transcript NM_001273.5 (MANE Select); coding-DNA position 2109, G replaced by A.
Protein change: p.Thr703=; no amino-acid change (threonine 703 retained).
Molecular consequence: synonymous variant.
Genome position (GRCh38, 1-based): chr12:6,595,346, C>T on the plus strand (G>A on the coding strand, the complement: CHD4 is on the minus strand). VCF-style: chr12-6595346-C-T. GRCh37 (hg19) VCF-style: chr12-6704512-C-T.
Other names: c.2088G>A, p.Thr696= (NM_001297553.2); c.2070G>A, p.Thr690= (NM_001363606.2).
Identifiers: ClinVar variation 3250728 (VCV003250728.18), dbSNP rs753500180.

ClinVar aggregate classification (germline): Likely benign (1 of 4 stars; one submission).

Allele frequency attached by ClinVar (database versions not stated): ExAC 0.00001; TOPMed 0.00001; gnomAD 0.00003.

Submission:

CeGaT Center for Human Genetics Tuebingen
Classification: Likely benign. Last evaluated: 2024-06-01. Review status: criteria provided, single submitter. Criteria: CeGaT Center For Human Genetics Tuebingen Variant Classification Criteria Version 2. Collection method: clinical testing. Allele origin: germline. Affected: yes. Observed: 1 variant allele.
Comment: CHD4: BP4, BP7